The following is an entry in ClinVar:

ClinVar aggregate classification (germline): Conflicting classifications of pathogenicity. Review status: criteria provided, conflicting classifications (1 of 4 stars). 5 submissions from 4 submitters: Uncertain significance (1); Likely benign (4). Last evaluated 2025-11-15.

Conditions:
Autosomal dominant cerebellar ataxia. Also called: Spinocerebellar Ataxia, Dominant. Identifiers: Orphanet 99, MedGen C4087347, MONDO:0020380.
Charcot-Marie-Tooth disease axonal type 2O. Also called: CHARCOT-MARIE-TOOTH NEUROPATHY, AXONAL, TYPE 2O; CHARCOT-MARIE-TOOTH DISEASE, AXONAL, AUTOSOMAL DOMINANT, TYPE 2O; Charcot-Marie-Tooth Neuropathy Type 2O; Charcot-Marie-Tooth disease, axonal, type 20. Identifiers: Orphanet 284232, MedGen C3280220, MONDO:0013644, OMIM 614228.

Allele frequency attached by ClinVar (database versions not stated): TOPMed 0.00002; gnomAD 0.00003 and 0.00004; gnomAD exomes 0.00003; ExAC 0.00004; 1000 Genomes Project 30x 0.00016; 1000 Genomes Project 0.00020.
gnomAD v4.1: 50 of 1,614,254 alleles (0.0031%); highest among the groups gnomAD compares: Middle Eastern, 0.033%; 1 homozygote.

Submissions (5):

Labcorp Genetics (formerly Invitae), Labcorp
Classification: Likely benign for Charcot-Marie-Tooth disease axonal type 2O. Last evaluated: 2025-11-15. Review status: criteria provided, single submitter. Criteria: Invitae Variant Classification Sherloc (09022015). Collection method: clinical testing. Allele origin: germline.

CeGaT Center for Human Genetics Tuebingen
Classification: Likely benign. Last evaluated: 2025-09-01. Review status: criteria provided, single submitter. Criteria: CeGaT Center For Human Genetics Tuebingen Variant Classification Criteria Version 2. Collection method: clinical testing. Allele origin: germline. Affected: yes. Observed: 1 variant allele.
Comment: DYNC1H1: BP4, BP7

GeneDx
Classification: Likely benign. Last evaluated: 2018-11-27. Review status: criteria provided, single submitter. Criteria: GeneDx Variant Classification Process June 2021. Collection method: clinical testing. Allele origin: germline. Affected: yes.

Illumina Laboratory Services, Illumina
Classification: Likely benign for Spinocerebellar Ataxia, Dominant. Last evaluated: 2018-01-12. Review status: criteria provided, single submitter. Criteria: ICSL Variant Classification Criteria 13 December 2019. Collection method: clinical testing. Allele origin: germline.
Comment: This variant was observed in the ICSL laboratory as part of a predisposition screen in an ostensibly healthy population. It had not been previously curated by ICSL or reported in the Human Gene Mutation Database (HGMD: prior to June 1st, 2018), and was therefore a candidate for classification through an automated scoring system. Utilizing variant allele frequency, disease prevalence and penetrance estimates, and inheritance mode, an automated score was calculated to assess if this variant is too frequent to cause the disease. Based on the score and internal cut-off values, a variant classified as likely benign is not then subjected to further curation. The score for this variant resulted in a classification of likely benign for this disease.

Illumina Laboratory Services, Illumina
Classification: Uncertain significance for Charcot-Marie-Tooth disease axonal type 2O. Last evaluated: 2018-01-12. Review status: criteria provided, single submitter. Criteria: ICSL Variant Classification Criteria 13 December 2019. Collection method: clinical testing. Allele origin: germline.

NM_001376.5(DYNC1H1):c.7821C>T (p.Ser2607=)

Gene: DYNC1H1 (dynein cytoplasmic 1 heavy chain 1; plus strand). Cytogenetic location: 14q32.31.
Variant type: single nucleotide variant.
Coding change: c.7821C>T on transcript NM_001376.5 (MANE Select); coding-DNA position 7821, C replaced by T.
Protein change: p.Ser2607=; no amino-acid change (serine 2607 retained).
Molecular consequence: synonymous variant.
Genome position (GRCh38, 1-based): chr14:102,016,972, C>T. VCF-style: chr14-102016972-C-T. GRCh37 (hg19) VCF-style: chr14-102483309-C-T.
Identifiers: ClinVar variation 883957 (VCV000883957.22), dbSNP rs375547282, ClinGen allele CA7352890.